The following is an entry in ClinVar:

NM_198253.3(TERT):c.-57A>C

Genes: TERT (telomerase reverse transcriptase; minus strand), LOC110806263 (TERT 5' regulatory region; plus strand). Cytogenetic location: 5p15.33.
Variant type: single nucleotide variant.
Coding change: c.-57A>C on transcript NM_198253.3 (MANE Select); 57 bases upstream of the start codon, A replaced by C.
Molecular consequence: 5 prime UTR variant. On other transcripts: non-coding transcript variant (2).
Genome position (GRCh38, 1-based): chr5:1,295,046, T>G on the plus strand (A>C on the coding strand, the complement: TERT is on the minus strand). VCF-style: chr5-1295046-T-G. GRCh37 (hg19) VCF-style: chr5-1295161-T-G.
Other names: -57, T-G; c.-57A>C (NM_001193376.3).
Identifiers: ClinVar variation 242210 (VCV000242210.31), dbSNP rs878855297, ClinGen allele CA10582367.

ClinVar aggregate classification (germline): Conflicting classifications of pathogenicity. Review status: criteria provided, conflicting classifications (1 of 4 stars). 11 submissions from 11 submitters: Pathogenic (1); Likely pathogenic (1); Uncertain significance (7). 2 of the submissions do not count toward it. Last evaluated 2026-05-15.
ClinVar aggregate classification (somatic clinical impact): Tier I - Strong (1 of 4 stars; one submission).
ClinVar aggregate classification (oncogenicity): Oncogenic (1 of 4 stars; one submission).

Conditions:
Dyskeratosis congenita, autosomal dominant 2. Identifiers: MedGen C3151443, MONDO:0013521, OMIM 613989.
Idiopathic Pulmonary Fibrosis. Also called: Idiopathic fibrosing alveolitis, chronic form; idiopathic fibrosing alveolitis. Identifiers: Orphanet 2032, MedGen C1800706, MeSH D054990, MONDO:0800504.
TERT-related disorder. Also called: TERT-related disorders; TERT-related condition.
Melanoma, cutaneous malignant, susceptibility to, 9. Also called: Cutaneous malignant melanoma 9. Identifiers: Orphanet 618, MedGen C3554574, MONDO:0014056, OMIM 615134.
Dyskeratosis congenita. Identifiers: Orphanet 1775, MedGen C0265965, MONDO:0015780.
Malignant tumor of urinary bladder. Also called: Urinary Bladder Neoplasms; Urinary bladder cancer; Bladder cancer. Identifiers: MedGen C0005684, MONDO:0001187, OMIM 109800.
Neuroblastoma (NB). Identifiers: Orphanet 635, MedGen C0027819, MeSH D009447, MONDO:0005072, HP:0003006.
Neoplasm. Also called: tumor; Neoplasms; Neoplasm (disease). Identifiers: MedGen C0027651, MeSH D009369, MONDO:0005070, HP:0002664.

Allele frequency attached by ClinVar (database versions not stated): gnomAD exomes 0.00003; gnomAD 0.00006.
gnomAD v4.1: 43 of 1,165,730 alleles (0.0037%); highest among the groups gnomAD compares: East Asian, 0.0064%; no homozygotes.

Submissions (13):

PreventionGenetics, part of Exact Sciences
Classification: Uncertain significance for TERT-related condition. Last evaluated: 2026-05-15. Review status: criteria provided, single submitter. Criteria: ACMG Guidelines, 2015. Collection method: clinical testing. Allele origin: germline.
Comment: The TERT c.-57A>C variant is located in the 5' untranslated region. This variant, also known as c.-57T>G, has been reported to segregate with melanoma in two families, including individuals who also had other primary cancers (Horn et al. 2013. PubMed ID: 23348503; Harland et al. 2016. PubMed ID: 26433962). Functional studies suggests this variant increases TERT promotor activity, TERT transcription in vitro, and telomerase activity (Chiba et al. 2015. PubMed ID: 26194807; Kircher et al. 2019. PubMed ID: 31395865). This variant is reported in 1 individual or 0.064% of alleles of East Asian descent in gnomAD v2 (as displayed in the table above). However, in gnomAD v4 (available only on GRCh38), this variant is reported in 43 individuals or 0.006% of alleles in an East Asian subpopulation. This variant has conflicting classifications in the ClinVar database ranging from uncertain to pathogenic (Variation ID: 242210). Additionally, a different nucleotide change at the same genomic position (c.-57A>G) has been reported to segregate in a family with a history of melanoma (described as Chr.5:1,295,161T>C in Zaremba et al. 2022. PubMed ID: 35912549). At this time, the clinical significance of the c.-57A>C variant is uncertain due to the absence of conclusive functional and genetic evidence.

Labcorp Genetics (formerly Invitae), Labcorp
Classification: Uncertain significance for Dyskeratosis congenita, autosomal dominant 2; Idiopathic Pulmonary Fibrosis. Last evaluated: 2026-01-05. Review status: criteria provided, single submitter. Criteria: Invitae Variant Classification Sherloc (09022015). Collection method: clinical testing. Allele origin: germline.
Comment: This variant occurs in a non-coding region of the TERT gene. It does not change the encoded amino acid sequence of the TERT protein. The frequency data for this variant in the population databases is considered unreliable, as metrics indicate poor data quality at this position in the gnomAD database. This variant has been reported in two families with melanoma, and was shown to segregate with disease in these families (PMID: 23348503, 26433962). However, affected family members also had additional primary cancers such as ovarian cancer, bladder cancer, and basal cell carcinoma (PMID: 23348503, 26433962). This variant is also known as -57T>G. ClinVar contains an entry for this variant (Variation ID: 242210). Algorithms developed to predict the effect of variants on gene product structure and function are not available or were not evaluated for this variant. This variant is located in the TERT promoter region and creates new binding motifs for transcription factors, Ets and TCFs (PMID: 23348503). Experimental studies have shown that this variant affects promoter activity and transcription in vitro (PMID: 23348503, 31395865). While this variant did not increase TERT mRNA levels in human pluripotent stem cells (hESCs), it affected several normal TERT protein functions in vitro and in vivo (PMID: 26194807). However, the clinical significance of this data is uncertain. While there are association studies on TERT non-coding variants with various cancer risk (PMID: 23535731, 22037553, 23066086, 20871597), the current clinical and genetic evidence is not sufficient to establish whether TERT is causative for melanoma. In summary, the available evidence is currently insufficient to determine the role of this variant in disease. Therefore, it has been classified as a Variant of Uncertain Significance.

Institute for Genomic Medicine (IGM) Clinical Laboratory, Nationwide Children's Hospital
Classification: Tier I - Strong for Neuroblastoma. Assertion type: diagnostic. Clinical significance: supports diagnosis. Last evaluated: 2025-03-20. Review status: criteria provided, single submitter. Criteria: AMP/ASCO/CAP Guidelines, 2017. Collection method: clinical testing. Allele origin: somatic. Affected: yes.
Comment: Variant has Tier I (strong) clinical significance as a diagnostic inclusion criterion in neuroblastoma, based on the following evidence: 1) Documented in one or more cancer databases (e.g., St. Jude Pecan, COSMIC, CIViC, OncoKB). 2) Appears in one or more well-established professional guidelines (e.g., World Health Organization [WHO]; National Comprehensive Cancer Network [NCCN]) as providing diagnostic, prognostic, or therapeutic information. 3) Information in the literature supports potential biologic effect of variant (PMIDs: 25843513, 31395865, 26194807). 4) Diagnostic for a specific tumor type/classification based on well-powered studies with expert-level consensus (Evidence Level B; PMIDs: 26171145, 28284778, 26466568, 31840131).

Center for Genomic Medicine, Rigshospitalet, Copenhagen University Hospital
Classification: Oncogenic for Neoplasm. Last evaluated: 2025-03-04. Review status: criteria provided, single submitter. Criteria: ClinGen/CGC/VICC Guidelines for Oncogenicity, 2022. Collection method: clinical testing. Allele origin: somatic. Affected: yes.

Ambry Genetics
Classification: Uncertain significance for Dyskeratosis congenita. Last evaluated: 2024-11-21. Review status: criteria provided, single submitter. Criteria: Ambry Variant Classification Scheme 2023. Collection method: clinical testing. Allele origin: germline.
Comment: The c.-57A>C variant is located in the 5' untranslated region (5&rsquo; UTR) of the TERT gene. This variant results from an A to C substitution 57 bases upstream from the first translated codon. This variant has been reported in two melanoma-prone families in conjunction with a common TERT promoter variant, c.-246G>A (Horn S et al. Science, 2013 Feb;339:959-61; Harland M et al. Fam. Cancer, 2016 Jan;15:139-44). Functional studies have shown that this variant leads to increased TERT promoter activity (Horn S et al. Science, 2013 Feb;339:959-61; Kircher M et al. Nat Commun, 2019 08;10:3583), increased TERT mRNA levels, increased telomerase activity and increased telomere length (Chiba K et al. Elife, 2015 Jul;4; Chiba K et al. Science, 2017 09;357:1416-1420). However, another study did not find a difference in telomere length in individuals carrying c.-57A>C as compared to non-carriers with history of melanoma (Harland M et al. Fam. Cancer, 2016 Jan;15:139-44). This nucleotide position is poorly conserved in available vertebrate species. The evidence for this gene-disease relationship is limited; therefore, the clinical significance of this alteration is unclear.

GeneDx
Classification: Uncertain significance. Last evaluated: 2024-11-07. Review status: criteria provided, single submitter. Criteria: GeneDx Variant Classification Process June 2021. Collection method: clinical testing. Allele origin: germline. Affected: yes.
Comment: Describes a nucleotide substitution 57 base pairs upstream of the ATG translational start site in the TERT promoter region; Observed segregating with disease in two families with multiple individuals with melanoma and some with various other cancers including ovarian cancer, bladder cancer, and basal cell carcinoma; however, an unaffected individual in one of the families was also found to carry this variant (PMID: 23348503, 26433962); Published in vitro and in vivo functional studies suggest a damaging effect: increased mRNA expression, TERT activity, and telomere length, as well as creation of a new ETS binding motif (PMID: 26194807, 31395865, 37918959); Located in a regulatory region; in the absence of functional studies, the actual effect of this sequence change is unknown; Not observed at significant frequency in large population cohorts (gnomAD); This variant is associated with the following publications: (PMID: 26194807, 24569790, 24101484, Matteucci2013[article], 28192371, 23348503, 30523342, 30203894, 26433962, 31395865, 36636687, 28818973, 37918959, 35903534, 36810441)

Baylor Genetics
Classification: Likely pathogenic for Dyskeratosis congenita, autosomal dominant 2. Last evaluated: 2024-03-03. Review status: criteria provided, single submitter. Criteria: ACMG Guidelines, 2015. Collection method: clinical testing. Allele origin: unknown.

Revvity Omics, Revvity
Classification: Uncertain significance. Last evaluated: 2024-01-16. Review status: criteria provided, single submitter. Criteria: ACMG Guidelines, 2015. Collection method: clinical testing. Allele origin: germline.

Blueprint Genetics
Classification: Uncertain significance. Last evaluated: 2023-04-06. Review status: criteria provided, single submitter. Criteria: ACMG Guidelines, 2015. Collection method: clinical testing. Allele origin: germline.

ARUP Laboratories, Molecular Genetics and Genomics, ARUP Laboratories
Classification: Uncertain significance. Last evaluated: 2023-03-29. Review status: criteria provided, single submitter. Criteria: ARUP Molecular Germline Variant Investigation Process 2024. Collection method: clinical testing. Allele origin: germline.

Genetic Services Laboratory, University of Chicago
Classification: Pathogenic. Last evaluated: 2020-02-24. Review status: criteria provided, single submitter. Criteria: ACMG Guidelines, 2015. Collection method: clinical testing. Allele origin: germline. Affected: yes.
Comment: DNA sequence analysis of the TERT gene demonstrated a sequence change in the 5 prime untranslated region, c.-57A>C. This pathogenic sequence change has previously been described in a large melanoma family (PMID: 23348503), and has been shown to create a transcription factor binding motif in the promoter region that results in an increased expression of TERT (Chiba K, et al, 2015; PMID: 23348503). This pathogenic sequence change has also been described as a somatic mutation in patients with myelodysplastic syndrome, bladder cancer and melanoma (Caterina Matteucci, et al., 2013; PMIDs: 24569790, 24101484). Somatic, pathogenic variants in the promoter region of the TERT gene, leading to increased telomerase activity, including the c.-57A>C change, have been reported in patients with pathogenic TERT mutations and telomere biology disorders including idiopathic pulmonary fibrosis and aplastic anemia (Gutierrez-Rodrigues et al., 2018 and Maryoung et al., 2017).

OMIM
Classification: risk factor for MELANOMA, CUTANEOUS MALIGNANT, SUSCEPTIBILITY TO, 9. Last evaluated: 2013-02-22. Review status: no assertion criteria provided. Collection method: literature only. Allele origin: germline. Not counted in ClinVar's aggregate classification.

Laboratory of Urology, Hospital Clinic de Barcelona
Classification: Pathogenic for Malignant tumor of urinary bladder. Review status: no assertion criteria provided. Collection method: research. Allele origin: somatic. Affected: yes. Not counted in ClinVar's aggregate classification.

Literature cited by the submitters: PubMed 23348503 (cited by 3 submitters); PubMed 26433962 (cited by Labcorp Genetics (formerly Invitae), Labcorp and Ambry Genetics); PubMed 31395865 (cited by 4 submitters); PubMed 26194807 (cited by 4 submitters); PubMed 23535731 (cited by Labcorp Genetics (formerly Invitae), Labcorp); PubMed 22037553 (cited by Labcorp Genetics (formerly Invitae), Labcorp); PubMed 23066086 (cited by Labcorp Genetics (formerly Invitae), Labcorp); PubMed 20871597 (cited by Labcorp Genetics (formerly Invitae), Labcorp); PubMed 25843513 (cited by Institute for Genomic Medicine (IGM) Clinical Laboratory, Nationwide Children's Hospital); PubMed 26171145 (cited by Institute for Genomic Medicine (IGM) Clinical Laboratory, Nationwide Children's Hospital); PubMed 28284778 (cited by Institute for Genomic Medicine (IGM) Clinical Laboratory, Nationwide Children's Hospital); PubMed 26466568 (cited by Institute for Genomic Medicine (IGM) Clinical Laboratory, Nationwide Children's Hospital); PubMed 31840131 (cited by Institute for Genomic Medicine (IGM) Clinical Laboratory, Nationwide Children's Hospital); PubMed 28818973 (cited by Ambry Genetics).